The following is an entry in ClinVar:

NM_000350.3(ABCA4):c.4625T>C (p.Ile1542Thr)

Gene: ABCA4 (ATP binding cassette subfamily A member 4; minus strand). Cytogenetic location: 1p22.1.
Variant type: single nucleotide variant.
Coding change: c.4625T>C on transcript NM_000350.3 (MANE Select); coding-DNA position 4625, T replaced by C.
Protein change: p.Ile1542Thr; replaces isoleucine 1542 with threonine.
Molecular consequence: missense variant.
Genome position (GRCh38, 1-based): chr1:94,024,963, A>G on the plus strand (T>C on the coding strand, the complement: ABCA4 is on the minus strand). VCF-style: chr1-94024963-A-G. GRCh37 (hg19) VCF-style: chr1-94490519-A-G.
Other names: c.4403T>C, p.Ile1468Thr (NM_001425324.1); short protein forms I1542T, I1468T.
Identifiers: ClinVar variation 943421 (VCV000943421.6), dbSNP rs374921762, ClinGen allele CA957547.

ClinVar aggregate classification (germline): Uncertain significance. Review status: criteria provided, multiple submitters, no conflicts (2 of 4 stars). 2 submissions from 2 submitters: Uncertain significance (2). Last evaluated 2025-10-10.

Conditions:
ABCA4-related disorder. Also called: ABCA4-related condition; ABCA4-related disorders. Identifiers: MedGen CN239167.

Allele frequency attached by ClinVar (database versions not stated): gnomAD exomes below 0.00001 and 0.00002; ExAC 0.00002; gnomAD 0.00003 and 0.00004; ESP Exome Variant Server 0.00008; TOPMed 0.00009.
gnomAD v4.1: 11 of 1,613,828 alleles (0.00068%); highest among the groups gnomAD compares: African/African-American, 0.011%; no homozygotes.

Submissions (2):

PreventionGenetics, part of Exact Sciences
Classification: Uncertain significance for ABCA4-related condition. Last evaluated: 2025-10-10. Review status: criteria provided, single submitter. Criteria: ACMG Guidelines, 2015. Collection method: clinical testing. Allele origin: germline.
Comment: The ABCA4 c.4625T>C variant is predicted to result in the amino acid substitution p.Ile1542Thr. To our knowledge, this variant has not been reported in the literature. This present is reported in 0.016% of alleles in individuals of African descent in gnomAD. At this time, the clinical significance of this variant is uncertain due to the absence of conclusive functional and genetic evidence.

Labcorp Genetics (formerly Invitae), Labcorp
Classification: Uncertain significance. Last evaluated: 2022-02-05. Review status: criteria provided, single submitter. Criteria: Invitae Variant Classification Sherloc (09022015). Collection method: clinical testing. Allele origin: germline.
Comment: This sequence change replaces isoleucine, which is neutral and non-polar, with threonine, which is neutral and polar, at codon 1542 of the ABCA4 protein (p.Ile1542Thr). This variant is present in population databases (rs374921762, gnomAD 0.02%). This variant has not been reported in the literature in individuals affected with ABCA4-related conditions. ClinVar contains an entry for this variant (Variation ID: 943421). Advanced modeling of protein sequence and biophysical properties (such as structural, functional, and spatial information, amino acid conservation, physicochemical variation, residue mobility, and thermodynamic stability) performed at Invitae indicates that this missense variant is expected to disrupt ABCA4 protein function. In summary, the available evidence is currently insufficient to determine the role of this variant in disease. Therefore, it has been classified as a Variant of Uncertain Significance.